The following is an entry in ClinVar:

ClinVar aggregate classification (germline): Uncertain significance. Review status: criteria provided, multiple submitters, no conflicts (2 of 4 stars). 2 submissions from 2 submitters: Uncertain significance (2). Last evaluated 2023-12-05.

Allele frequency attached by ClinVar (database versions not stated): gnomAD exomes below 0.00001; TOPMed 0.00001.

Submissions (2):

GeneDx
Classification: Uncertain significance. Last evaluated: 2023-12-05. Review status: criteria provided, single submitter. Criteria: GeneDx Variant Classification Process June 2021. Collection method: clinical testing. Allele origin: germline. Affected: yes.
Comment: Not observed at significant frequency in large population cohorts (gnomAD); In silico analysis supports that this missense variant does not alter protein structure/function; Has not been previously published as pathogenic or benign to our knowledge

Labcorp Genetics (formerly Invitae), Labcorp
Classification: Uncertain significance. Last evaluated: 2019-07-02. Review status: criteria provided, single submitter. Criteria: Invitae Variant Classification Sherloc (09022015). Collection method: clinical testing. Allele origin: germline.
Comment: In summary, the available evidence is currently insufficient to determine the role of this variant in disease. Therefore, it has been classified as a Variant of Uncertain Significance. Algorithms developed to predict the effect of missense changes on protein structure and function (SIFT, PolyPhen-2, Align-GVGD) all suggest that this variant is likely to be tolerated, but these predictions have not been confirmed by published functional studies and their clinical significance is uncertain. This variant has not been reported in the literature in individuals with TRIO-related conditions. This variant is not present in population databases (ExAC no frequency). This sequence change replaces arginine with glutamine at codon 1593 of the TRIO protein (p.Arg1593Gln). The arginine residue is moderately conserved and there is a small physicochemical difference between arginine and glutamine.

NM_007118.4(TRIO):c.4778G>A (p.Arg1593Gln)

Gene: TRIO (trio Rho guanine nucleotide exchange factor; plus strand). Cytogenetic location: 5p15.2.
Variant type: single nucleotide variant.
Coding change: c.4778G>A on transcript NM_007118.4 (MANE Select); coding-DNA position 4778, G replaced by A.
Protein change: p.Arg1593Gln; replaces arginine 1593 with glutamine.
Molecular consequence: missense variant. On other transcripts: non-coding transcript variant (1).
Genome position (GRCh38, 1-based): chr5:14,405,909, G>A. VCF-style: chr5-14405909-G-A. GRCh37 (hg19) VCF-style: chr5-14406018-G-A.
Other names: short protein forms R1593Q.
Identifiers: ClinVar variation 952127 (VCV000952127.11), dbSNP rs1404663085, ClinGen allele CA359197748.
Genomic context (GRCh38, chr5:14,405,909, plus strand): 5'-CTTCCAGCATAGAGAACAAGCAGGACTGGATAAAGCATATCCGCGAAGTCATCCAGGAGC[G>A]GACGATCCACCTGAAGGGAGCCCTGAAGGAGCCCATTCACATCCCTAAGACCGCTCCCGC-3'
Protein context (NP_009049.2, residues 1583-1603): IKHIREVIQE[Arg1593Gln]TIHLKGALKE